The following is an entry in ClinVar:

NM_001081442.3(LILRB5):c.1710T>G (p.Pro570=)

Gene: LILRB5 (leukocyte immunoglobulin like receptor B5; minus strand). Cytogenetic location: 19q13.42.
Variant type: single nucleotide variant.
Coding change: c.1710T>G on transcript NM_001081442.3 (MANE Select); coding-DNA position 1710, T replaced by G.
Protein change: p.Pro570=; no amino-acid change (proline 570 retained).
Molecular consequence: synonymous variant. On other transcripts: 3 prime UTR variant (1).
Genome position (GRCh38, 1-based): chr19:54,250,852, A>C on the plus strand (T>G on the coding strand, the complement: LILRB5 is on the minus strand). VCF-style: chr19-54250852-A-C. GRCh37 (hg19) VCF-style: chr19-54754716-A-C.
Other names: c.1410T>G, p.Pro470= (NM_001081443.3); c.1920T>G, p.Pro640= (NM_001304457.3); c.*50T>G (NM_001412269.1); c.1707T>G, p.Pro569= (NM_006840.5).
Identifiers: ClinVar variation 2650432 (VCV002650432.24), dbSNP rs140799798, ClinGen allele CA309424482.

ClinVar aggregate classification (germline): Likely benign (1 of 4 stars; one submission).

Allele frequency attached by ClinVar (database versions not stated): 1000 Genomes Project 30x 0.00047; 1000 Genomes Project 0.00060; gnomAD 0.00264; ExAC 0.00306; gnomAD exomes 0.00243; ESP Exome Variant Server 0.00246; TOPMed 0.00224.
gnomAD v4.1: 4,083 of 1,612,722 alleles (0.25%); highest among the groups gnomAD compares: Non-Finnish European, 0.22%; 29 homozygotes.

Submission:

CeGaT Center for Human Genetics Tuebingen
Classification: Likely benign. Last evaluated: 2024-02-01. Review status: criteria provided, single submitter. Criteria: CeGaT Center For Human Genetics Tuebingen Variant Classification Criteria Version 2. Collection method: clinical testing. Allele origin: germline. Affected: yes. Observed: 1 variant allele.
Comment: LILRB5: BP4, BP7, BS2